The following is an entry in ClinVar:

NM_000548.5(TSC2):c.1388dup (p.Lys464fs)

Gene: TSC2 (TSC complex subunit 2; plus strand). Cytogenetic location: 16p13.3.
Variant type: Duplication.
Coding change: c.1388dup on transcript NM_000548.5 (MANE Select); coding-DNA position 1388, one base duplicated (T; older notation c.1388dupT).
Protein change: p.Lys464fs; shifts the reading frame from lysine 464.
Molecular consequence: frameshift variant.
Genome position (GRCh38, 1-based): chr16:2,062,998, T duplicated. VCF-style (leftmost placement, unchanged base first): chr16-2062997-A-AT. GRCh37 (hg19) VCF-style: chr16-2112998-A-AT.
Other names: c.1388dup, p.Lys464fs (NM_001077183.3, NM_001114382.3, NM_001363528.2 and 3 more transcripts); c.1277dup, p.Lys427fs (NM_001318827.2); c.1241dup, p.Lys415fs (NM_001318829.2); c.788dup, p.Lys264fs (NM_001318831.2); c.1421dup, p.Lys475fs (NM_001318832.2); short protein forms K264fs, K475fs, K464fs, K415fs, K427fs.
Identifiers: ClinVar variation 951535 (VCV000951535.7), dbSNP rs2086826069, ClinGen allele CA1139664297.

ClinVar aggregate classification (germline): Pathogenic (1 of 4 stars; one submission).

Conditions:
Tuberous sclerosis 2 (TSC2). Identifiers: Orphanet 805, MedGen C1860707, MONDO:0013199, OMIM 613254.

Submission:

Labcorp Genetics (formerly Invitae), Labcorp
Classification: Pathogenic for Tuberous sclerosis 2. Last evaluated: 2019-09-19. Review status: criteria provided, single submitter. Criteria: Invitae Variant Classification Sherloc (09022015). Collection method: clinical testing. Allele origin: germline.
Comment: For these reasons, this variant has been classified as Pathogenic. Loss-of-function variants in TSC2 are known to be pathogenic (PMID: 10205261, 17304050). This variant has not been reported in the literature in individuals with TSC2-related conditions. This variant is not present in population databases (ExAC no frequency). This sequence change creates a premature translational stop signal (p.Lys464Glnfs*18) in the TSC2 gene. It is expected to result in an absent or disrupted protein product.

Literature cited by the submitters: PubMed 10205261; PubMed 17304050.